The following is an entry in ClinVar:

ClinVar aggregate classification (germline): Uncertain significance (1 of 4 stars; one submission).

Conditions:
Immunodeficiency 132A. Also called: Herpes simplex encephalitis, susceptibility to, 3. Identifiers: Orphanet 1930, MedGen C3553868, MONDO:0013920, OMIM 614849.

Submission:

Labcorp Genetics (formerly Invitae), Labcorp
Classification: Uncertain significance for Immunodeficiency 132A. Last evaluated: 2025-11-03. Review status: criteria provided, single submitter. Criteria: Invitae Variant Classification Sherloc (09022015). Collection method: clinical testing. Allele origin: germline.
Comment: This sequence change creates a premature translational stop signal (p.Val476Cysfs*8) in the TRAF3 gene. While this is not anticipated to result in nonsense mediated decay, it is expected to disrupt the last 93 amino acid(s) of the TRAF3 protein. This variant is not present in population databases (gnomAD no frequency). This variant has not been reported in the literature in individuals affected with TRAF3-related conditions. ClinVar contains an entry for this variant (Variation ID: 639749). Experimental studies and prediction algorithms are not available or were not evaluated, and the functional significance of this variant is currently unknown. In summary, the available evidence is currently insufficient to determine the role of this variant in disease. Therefore, it has been classified as a Variant of Uncertain Significance.

NM_145725.3(TRAF3):c.1425dup (p.Val476fs)

Gene: TRAF3 (TNF receptor associated factor 3; plus strand). Cytogenetic location: 14q32.32.
Variant type: Duplication.
Coding change: c.1425dup on transcript NM_145725.3 (MANE Select); coding-DNA position 1425, one base duplicated (T; older notation c.1425dupT).
Protein change: p.Val476fs; shifts the reading frame from valine 476.
Molecular consequence: frameshift variant.
Genome position (GRCh38, 1-based): chr14:102,905,502, T duplicated; the last of 6 consecutive T bases (chr14:102,905,497-102,905,502); duplicating any one gives the same sequence. VCF-style (leftmost placement, unchanged base first): chr14-102905496-G-GT. GRCh37 (hg19) VCF-style: chr14-103371833-G-GT.
Other names: c.1176dup, p.Val393fs (NM_001199427.2); c.1284dup, p.Val429fs (NM_001385142.1); c.1344dup, p.Val449fs (NM_001385143.1); c.1425dup, p.Val476fs (NM_003300.4); c.1350dup, p.Val451fs (NM_145726.3); short protein forms V451fs, V393fs, V476fs, V429fs, V449fs.
Identifiers: ClinVar variation 639749 (VCV000639749.9), dbSNP rs1595417481, ClinGen allele CA915946445.